The following is an entry in ClinVar:

ClinVar aggregate classification (germline): Uncertain significance (1 of 4 stars; one submission).

Conditions:
TBC1D24-related disorder. Also called: TBC1D24-related disorders; TBC1D24-related condition. Identifiers: MedGen CN381194.

gnomAD v4.1: 1 of 1,609,378 alleles (0.000062%); highest among the groups gnomAD compares: East Asian, 0.0022%; no homozygotes.

Submission:

PreventionGenetics, part of Exact Sciences
Classification: Uncertain significance for TBC1D24-related condition. Last evaluated: 2025-02-26. Review status: criteria provided, single submitter. Criteria: ACMG Guidelines, 2015. Collection method: clinical testing. Allele origin: germline.
Comment: The TBC1D24 c.436A>G variant is predicted to result in the amino acid substitution p.Ile146Val. To our knowledge, this variant has not been reported in the literature or in a large population database (gnomAD), indicating this variant is rare. At this time, the clinical significance of this variant is uncertain due to the absence of conclusive functional and genetic evidence.

NM_001199107.2(TBC1D24):c.436A>G (p.Ile146Val)

Gene: TBC1D24 (TBC1 domain family member 24; plus strand). Cytogenetic location: 16p13.3.
Variant type: single nucleotide variant.
Coding change: c.436A>G on transcript NM_001199107.2 (MANE Select); coding-DNA position 436, A replaced by G.
Protein change: p.Ile146Val; replaces isoleucine 146 with valine.
Molecular consequence: missense variant.
Genome position (GRCh38, 1-based): chr16:2,496,584, A>G. VCF-style: chr16-2496584-A-G. GRCh37 (hg19) VCF-style: chr16-2546585-A-G.
Other names: c.436A>G, p.Ile146Val (NM_020705.3); short protein forms I146V.
Identifiers: ClinVar variation 4988935 (VCV004988935.1).